The following is an entry in ClinVar:

ClinVar aggregate classification (germline): Uncertain significance. Review status: criteria provided, multiple submitters, no conflicts (2 of 4 stars). 2 submissions from 2 submitters: Uncertain significance (2). Last evaluated 2025-03-18.

Conditions:
Inborn genetic diseases. Identifiers: MedGen C0950123, MeSH D030342.
Atrial fibrillation, familial, 7 (ATFB7). Identifiers: MedGen C2677106, MONDO:0012828, OMIM 612240.

Allele frequency attached by ClinVar (database versions not stated): TOPMed 0.00002.

Submissions (2):

Ambry Genetics
Classification: Uncertain significance for Inborn genetic diseases. Last evaluated: 2025-03-18. Review status: criteria provided, single submitter. Criteria: Ambry Variant Classification Scheme 2023. Collection method: clinical testing. Allele origin: germline.

Labcorp Genetics (formerly Invitae), Labcorp
Classification: Uncertain significance for Atrial fibrillation, familial, 7. Last evaluated: 2016-12-08. Review status: criteria provided, single submitter. Criteria: Invitae Variant Classification Sherloc (09022015). Collection method: clinical testing. Allele origin: germline.
Comment: This variant is not present in population databases (ExAC no frequency) and has not been reported in the literature in individuals with a KCNA5-related disease. This sequence change replaces glycine with cysteine at codon 300 of the KCNA5 protein (p.Gly300Cys). The glycine residue is moderately conserved and there is a large physicochemical difference between glycine and cysteine. Algorithms developed to predict the effect of missense changes on protein structure and function do not agree on the potential impact of this missense change (SIFT: "Tolerated"; PolyPhen-2: "Possibly Damaging"; Align-GVGD: "Class C0"). In summary, this variant is a novel missense change with uncertain impact on protein function. It has been classified as a Variant of Uncertain Significance.

NM_002234.4(KCNA5):c.898G>T (p.Gly300Cys)

Gene: KCNA5 (potassium voltage-gated channel subfamily A member 5; plus strand). Cytogenetic location: 12p13.32.
Variant type: single nucleotide variant.
Coding change: c.898G>T on transcript NM_002234.4 (MANE Select); coding-DNA position 898, G replaced by T.
Protein change: p.Gly300Cys; replaces glycine 300 with cysteine.
Molecular consequence: missense variant.
Genome position (GRCh38, 1-based): chr12:5,045,045, G>T. VCF-style: chr12-5045045-G-T. GRCh37 (hg19) VCF-style: chr12-5154211-G-T.
Other names: c.898G>T (NM_002234.2); short protein forms G300C.
Identifiers: ClinVar variation 469601 (VCV000469601.9), dbSNP rs148708451, ClinGen allele CA383465377.